The following is an entry in ClinVar:

NM_004168.4(SDHA):c.1893C>A (p.Asp631Glu)

Gene: SDHA (succinate dehydrogenase complex flavoprotein subunit A; plus strand). Cytogenetic location: 5p15.33.
Variant type: single nucleotide variant.
Coding change: c.1893C>A on transcript NM_004168.4 (MANE Select); coding-DNA position 1893, C replaced by A.
Protein change: p.Asp631Glu; replaces aspartic acid 631 with glutamic acid.
Molecular consequence: missense variant.
Genome position (GRCh38, 1-based): chr5:254,491, C>A. VCF-style: chr5-254491-C-A. GRCh37 (hg19) VCF-style: chr5-254606-C-A.
Other names: c.1749C>A, p.Asp583Glu (NM_001294332.2); c.1650C>A, p.Asp550Glu (NM_001330758.2); short protein forms D550E, D583E, D631E.
Identifiers: ClinVar variation 1001290 (VCV001001290.6), dbSNP rs1364764796, ClinGen allele CA359002216.
Genomic context (GRCh38, chr5:254,491, plus strand): 5'-GGGGCAACAGAAGAAGCCCTTTGAGGAGCACTGGAGGAAGCACACCCTGTCCTATGTGGA[C>A]GTTGGCACTGGGAAGGTCAGTGTGGAGCTCGTTCTCACCACAGCCCAGCACCCACACGGC-3'
Protein context (NP_004159.2, residues 621-641): HWRKHTLSYV[Asp631Glu]VGTGKVTLEY

ClinVar aggregate classification (germline): Uncertain significance (1 of 4 stars; one submission).

Conditions:
Mitochondrial complex II deficiency, nuclear type 1. Also called: SUCCINATE CoQ REDUCTASE DEFICIENCY. Identifiers: Orphanet 3208, MedGen C5700310, MONDO:0100294, OMIM 252011.
Pheochromocytoma/paraganglioma syndrome 5. Also called: Paragangliomas 5; SDHA-Related Hereditary Paraganglioma-Pheochromocytoma Syndrome. Identifiers: Orphanet 29072, MedGen C3279992, MONDO:0013602, OMIM 614165.

Submission:

Labcorp Genetics (formerly Invitae), Labcorp
Classification: Uncertain significance for Pheochromocytoma/paraganglioma syndrome 5; Mitochondrial complex II deficiency, nuclear type 1. Last evaluated: 2021-09-02. Review status: criteria provided, single submitter. Criteria: Invitae Variant Classification Sherloc (09022015). Collection method: clinical testing. Allele origin: germline.
Comment: This sequence change replaces aspartic acid with glutamic acid at codon 631 of the SDHA protein (p.Asp631Glu). The aspartic acid residue is highly conserved and there is a small physicochemical difference between aspartic acid and glutamic acid. This variant is not present in population databases (ExAC no frequency). This variant has not been reported in the literature in individuals affected with SDHA-related conditions. Advanced modeling of protein sequence and biophysical properties (such as structural, functional, and spatial information, amino acid conservation, physicochemical variation, residue mobility, and thermodynamic stability) performed at Invitae indicates that this missense variant is not expected to disrupt SDHA protein function. Algorithms developed to predict the effect of sequence changes on RNA splicing suggest that this variant may create or strengthen a splice site. In summary, the available evidence is currently insufficient to determine the role of this variant in disease. Therefore, it has been classified as a Variant of Uncertain Significance.